The following is an entry in ClinVar:

ClinVar aggregate classification (germline): Likely benign. Review status: criteria provided, multiple submitters, no conflicts (2 of 4 stars). 4 submissions from 4 submitters: Likely benign (3). 1 of the submissions does not count toward it. Last evaluated 2026-01-15.

Conditions:
EML1-related disorder. Also called: EML1-related condition.

Allele frequency attached by ClinVar (database versions not stated): gnomAD exomes 0.00043 and 0.00087; ExAC 0.00087; gnomAD 0.00116 and 0.00128; ESP Exome Variant Server 0.00123; TOPMed 0.00150; 1000 Genomes Project 0.00200; 1000 Genomes Project 30x 0.00219.
gnomAD v4.1: 871 of 1,614,192 alleles (0.054%); highest among the groups gnomAD compares: South Asian, 0.36%; 1 homozygote.

Submissions (4):

Labcorp Genetics (formerly Invitae), Labcorp
Classification: Likely benign. Last evaluated: 2026-01-15. Review status: criteria provided, single submitter. Criteria: Invitae Variant Classification Sherloc (09022015). Collection method: clinical testing. Allele origin: germline.

CeGaT Center for Human Genetics Tuebingen
Classification: Likely benign. Last evaluated: 2024-02-01. Review status: criteria provided, single submitter. Criteria: CeGaT Center For Human Genetics Tuebingen Variant Classification Criteria Version 2. Collection method: clinical testing. Allele origin: germline. Affected: yes. Observed: 1 variant allele.
Comment: EML1: BP4

Breakthrough Genomics
Classification: Likely benign. Review status: criteria provided, single submitter. Criteria: ACMG Guidelines, 2015. Collection method: not provided. Allele origin: germline. Inheritance: Autosomal recessive inheritance. Affected: yes.

PreventionGenetics, part of Exact Sciences
Classification: Likely benign for EML1-related condition. Last evaluated: 2022-05-06. Review status: no assertion criteria provided. Collection method: clinical testing. Allele origin: germline. Not counted in ClinVar's aggregate classification.
Comment: This variant is classified as likely benign based on ACMG/AMP sequence variant interpretation guidelines (Richards et al. 2015 PMID: 25741868, with internal and published modifications).

NM_004434.3(EML1):c.2246A>G (p.His749Arg)

Genes: EML1 (EMAP like 1; plus strand), LOC126862047 (BRD4-independent group 4 enhancer GRCh37_chr14:100405395-100406594; plus strand). Cytogenetic location: 14q32.2.
Variant type: single nucleotide variant.
Coding change: c.2246A>G on transcript NM_004434.3 (MANE Select); coding-DNA position 2246, A replaced by G.
Protein change: p.His749Arg; replaces histidine 749 with arginine.
Molecular consequence: missense variant.
Genome position (GRCh38, 1-based): chr14:99,939,251, A>G. VCF-style: chr14-99939251-A-G. GRCh37 (hg19) VCF-style: chr14-100405588-A-G.
Other names: c.2303A>G, p.His768Arg (NM_001008707.2); c.2207A>G, p.His736Arg (NM_001375411.1); c.2114A>G, p.His705Arg (NM_001375412.1); short protein forms H736R, H749R, H768R, H705R.
Identifiers: ClinVar variation 774911 (VCV000774911.33), dbSNP rs139856422, ClinGen allele CA7342904.